The following is an entry in ClinVar:

ClinVar aggregate classification (germline): Uncertain significance (1 of 4 stars; one submission).

Submission:

Labcorp Genetics (formerly Invitae), Labcorp
Classification: Uncertain significance. Last evaluated: 2021-10-27. Review status: criteria provided, single submitter. Criteria: Invitae Variant Classification Sherloc (09022015). Collection method: clinical testing. Allele origin: germline.
Comment: Experimental studies and prediction algorithms are not available or were not evaluated, and the functional significance of this variant is currently unknown. In summary, the available evidence is currently insufficient to determine the role of this variant in disease. Therefore, it has been classified as a Variant of Uncertain Significance. This variant has not been reported in the literature in individuals affected with IL2RB-related conditions. This sequence change creates a premature translational stop signal (p.His296Leufs*30) in the IL2RB gene. While this is not anticipated to result in nonsense mediated decay, it is expected to disrupt the last 256 amino acid(s) of the IL2RB protein. This variant is not present in population databases (gnomAD no frequency).

NM_000878.5(IL2RB):c.887del (p.His296fs)

Gene: IL2RB (interleukin 2 receptor subunit beta; minus strand). Cytogenetic location: 22q12.3.
Variant type: Deletion.
Coding change: c.887del on transcript NM_000878.5 (MANE Select); coding-DNA position 887, one base deleted (A; older notation c.887delA).
Protein change: p.His296fs; shifts the reading frame from histidine 296.
Molecular consequence: frameshift variant.
Genome position (GRCh38, 1-based): chr22:37,132,400, T deleted on the plus strand (A on the coding strand, the reverse complement: IL2RB is on the minus strand). VCF-style (leftmost placement, unchanged base first): chr22-37132399-AT-A. GRCh37 (hg19) VCF-style: chr22-37528439-AT-A.
Other names: c.887del, p.His296fs (NM_001346222.1, NM_001346223.2); short protein forms H296fs.
Identifiers: ClinVar variation 1347496 (VCV001347496.6), dbSNP rs2146229237, ClinGen allele CA2573158130.